The following is an entry in ClinVar:

NM_024757.5(EHMT1):c.3540G>A (p.Lys1180=)

Gene: EHMT1 (euchromatic histone lysine methyltransferase 1; plus strand). Cytogenetic location: 9q34.3.
Variant type: single nucleotide variant.
Coding change: c.3540G>A on transcript NM_024757.5 (MANE Select); coding-DNA position 3540, G replaced by A.
Protein change: p.Lys1180=; no amino-acid change (lysine 1180 retained).
Molecular consequence: synonymous variant.
Genome position (GRCh38, 1-based): chr9:137,818,138, G>A. VCF-style: chr9-137818138-G-A. GRCh37 (hg19) VCF-style: chr9-140712590-G-A.
Other names: c.3519G>A, p.Lys1173= (NM_001354263.2).
Identifiers: ClinVar variation 1804637 (VCV001804637.3), dbSNP rs2538766614, ClinGen allele CA467878062.

ClinVar aggregate classification (germline): Uncertain significance (1 of 4 stars; one submission).

Conditions:
Kleefstra syndrome 1 (KLEFS1). Identifiers: Orphanet 261494, MedGen C0795833, MONDO:0027407, OMIM 610253.

Submission:

Institute of Human Genetics, University of Goettingen
Classification: Uncertain significance for Kleefstra syndrome 1. Last evaluated: 2022-12-20. Review status: criteria provided, single submitter. Criteria: ACMG Guidelines, 2015. Collection method: clinical testing. Allele origin: unknown. Inheritance: Sporadic. Observed: 1 heterozygote.
Comment: The variant c.3540G>A (p.(Lys1180=)) is a synonymous variant, but it affects the last nucleotide of exon 25 of the EHMT1 gene thus most probably affecting splicing, as predicted by various in silico splicing prediction programs. The variant affects a highly conserved nucleotide within a protein domain. After performing cDNA analysis using RNA-samples of the patient, we detected aberrant slicing leading to exon skipping of exon 25 resulting in erroneous translation and a premature stop-codon due to a frameshift mutation: p.Tyr1155Thrfs*51. ACMG criteria used for classification: PM2, PVS1_mod, PS3_mod.